The following is an entry in ClinVar:

NM_021224.6(ZNF462):c.1115A>T (p.Asn372Ile)

Gene: ZNF462 (zinc finger protein 462; plus strand). Cytogenetic location: 9q31.2.
Variant type: single nucleotide variant.
Coding change: c.1115A>T on transcript NM_021224.6 (MANE Select); coding-DNA position 1115, A replaced by T.
Protein change: p.Asn372Ile; replaces asparagine 372 with isoleucine.
Molecular consequence: missense variant.
Genome position (GRCh38, 1-based): chr9:106,925,027, A>T. VCF-style: chr9-106925027-A-T. GRCh37 (hg19) VCF-style: chr9-109687308-A-T.
Other names: c.1115A>T, p.Asn372Ile (NM_001347997.2); short protein forms N372I.
Identifiers: ClinVar variation 1712623 (VCV001712623.2), dbSNP rs773629680, ClinGen allele CA374383850.
Genomic context (GRCh38, chr9:106,925,027, plus strand): 5'-ACAATTCTGGTCTAGTTAACTTGACAGAGAGATCCCGTTATGGAATGACTGACATGACCA[A>T]TTCTTCTGCTGACCTGGAAACTAACAGCATGCTAAATGACTCTAGTTCTGATGAAGAGTT-3'
Protein context (NP_067047.4, residues 362-382): RSRYGMTDMT[Asn372Ile]SSADLETNSM

ClinVar aggregate classification (germline): Uncertain significance (1 of 4 stars; one submission).

Submission:

GeneDx
Classification: Uncertain significance. Last evaluated: 2022-04-27. Review status: criteria provided, single submitter. Criteria: GeneDx Variant Classification Process June 2021. Collection method: clinical testing. Allele origin: germline. Affected: yes.
Comment: Not observed at significant frequency in large population cohorts (gnomAD); In silico analysis supports that this missense variant does not alter protein structure/function; Has not been previously published as pathogenic or benign to our knowledge